The following is an entry in ClinVar:

NM_017636.4(TRPM4):c.2905C>T (p.Arg969Cys)

Gene: TRPM4 (transient receptor potential cation channel subfamily M member 4; plus strand). Cytogenetic location: 19q13.33.
Variant type: single nucleotide variant.
Coding change: c.2905C>T on transcript NM_017636.4 (MANE Select); coding-DNA position 2905, C replaced by T.
Protein change: p.Arg969Cys; replaces arginine 969 with cysteine.
Molecular consequence: missense variant.
Genome position (GRCh38, 1-based): chr19:49,200,737, C>T. VCF-style: chr19-49200737-C-T. GRCh37 (hg19) VCF-style: chr19-49703994-C-T.
Other names: c.2470C>T, p.Arg824Cys (NM_001195227.2); c.2560C>T, p.Arg854Cys (NM_001321281.2); c.1297C>T, p.Arg433Cys (NM_001321282.2); c.2383C>T, p.Arg795Cys (NM_001321283.2); c.1843C>T, p.Arg615Cys (NM_001321285.2); short protein forms R433C, R795C, R615C, R854C, R824C, R969C.
Identifiers: ClinVar variation 3811054 (VCV003811054.1).

ClinVar aggregate classification (germline): Uncertain significance (1 of 4 stars; one submission).

Conditions:
Cardiovascular phenotype. Identifiers: MedGen CN230736.

gnomAD v4.1: 4 of 1,614,110 alleles (0.00025%); highest among the groups gnomAD compares: South Asian, 0.0022%; no homozygotes.

Submission:

Ambry Genetics
Classification: Uncertain significance for Cardiovascular phenotype. Last evaluated: 2025-03-03. Review status: criteria provided, single submitter. Criteria: Ambry Variant Classification Scheme 2023. Collection method: clinical testing. Allele origin: germline.
Comment: The p.R969C variant (also known as c.2905C>T), located in coding exon 19 of the TRPM4 gene, results from a C to T substitution at nucleotide position 2905. The arginine at codon 969 is replaced by cysteine, an amino acid with highly dissimilar properties. This amino acid position is conserved. In addition, this alteration is predicted to be deleterious by in silico analysis. Based on the available evidence, the clinical significance of this variant remains unclear.